The following is an entry in ClinVar:

NM_000380.4(XPA):c.284-3T>A

Gene: XPA (XPA, DNA damage recognition and repair factor; minus strand). Cytogenetic location: 9q22.33.
Variant type: single nucleotide variant.
Coding change: c.284-3T>A on transcript NM_000380.4 (MANE Select); 3 bases into the intron before coding-DNA position 284, T replaced by A.
Molecular consequence: intron variant.
Genome position (GRCh38, 1-based): chr9:97,689,642, A>T on the plus strand (T>A on the coding strand, the complement: XPA is on the minus strand). VCF-style: chr9-97689642-A-T. GRCh37 (hg19) VCF-style: chr9-100451924-A-T.
Other names: c.158-3T>A (NM_001354975.2).
Identifiers: ClinVar variation 2659339 (VCV002659339.24), dbSNP rs2490227336, ClinGen allele CA2690902533.

ClinVar aggregate classification (germline): Uncertain significance (1 of 4 stars; one submission).

Allele frequency attached by ClinVar (database versions not stated): gnomAD exomes below 0.00001.
gnomAD v4.1: 3 of 1,570,714 alleles (0.00019%); highest among the groups gnomAD compares: South Asian, 0.0033%; no homozygotes.

Submission:

CeGaT Center for Human Genetics Tuebingen
Classification: Uncertain significance. Last evaluated: 2023-06-01. Review status: criteria provided, single submitter. Criteria: CeGaT Center For Human Genetics Tuebingen Variant Classification Criteria Version 2. Collection method: clinical testing. Allele origin: germline. Affected: yes. Observed: 1 variant allele.
Comment: XPA: PM2